The following is an entry in ClinVar:

ClinVar aggregate classification (germline): Likely benign. Review status: criteria provided, multiple submitters, no conflicts (2 of 4 stars). 2 submissions from 2 submitters: Likely benign (2). Last evaluated 2016-03-29.

Allele frequency attached by ClinVar (database versions not stated): TOPMed 0.02183; gnomAD 0.02242 and 0.02163; ESP Exome Variant Server 0.02984; 1000 Genomes Project 0.00799; 1000 Genomes Project 30x 0.00828; gnomAD exomes 0.01982 and 0.03594; ExAC 0.02005.
gnomAD v4.1: 55,367 of 1,614,088 alleles (3.4%); highest among the groups gnomAD compares: Non-Finnish European, 4.3%; 1,202 homozygotes.

Submissions (2):

Laboratory for Molecular Medicine, Mass General Brigham Personalized Medicine
Classification: Likely benign. Last evaluated: 2016-03-29. Review status: criteria provided, single submitter. Criteria: LMM Criteria. Collection method: clinical testing. Allele origin: germline.
Comment: Variant identified in a genome or exome case(s) and assessed due to predicted null impact of the variant or pathogenic assertions in the literature or databases. Disclaimer: This variant has not undergone full assessment. The following are preliminary notes: Frequency

Breakthrough Genomics
Classification: Likely benign. Review status: criteria provided, single submitter. Criteria: ACMG Guidelines, 2015. Collection method: not provided. Allele origin: germline. Inheritance: Unknown mechanism. Affected: yes.

NM_001347886.2(DNAH3):c.10328G>A (p.Arg3443Gln)

Gene: DNAH3 (dynein axonemal heavy chain 3; minus strand). Cytogenetic location: 16p12.3.
Variant type: single nucleotide variant.
Coding change: c.10328G>A on transcript NM_001347886.2 (MANE Select); coding-DNA position 10328, G replaced by A.
Protein change: p.Arg3443Gln; replaces arginine 3443 with glutamine.
Molecular consequence: missense variant.
Genome position (GRCh38, 1-based): chr16:20,963,418, C>T on the plus strand (G>A on the coding strand, the complement: DNAH3 is on the minus strand). VCF-style: chr16-20963418-C-T. GRCh37 (hg19) VCF-style: chr16-20974740-C-T.
Other names: c.10466G>A, p.Arg3489Gln (NM_017539.2); short protein forms R3489Q, R3443Q.
Identifiers: ClinVar variation 402725 (VCV000402725.5), dbSNP rs111539520, ClinGen allele CA7946055.